The following is an entry in ClinVar:

ClinVar aggregate classification (germline): Uncertain significance. Review status: criteria provided, multiple submitters, no conflicts (2 of 4 stars). 2 submissions from 2 submitters: Uncertain significance (2). Last evaluated 2026-01-13.

Conditions:
Hereditary cancer-predisposing syndrome. Also called: Hereditary neoplastic syndrome; Neoplastic Syndromes, Hereditary; Tumor predisposition; Hereditary Cancer Syndrome. Identifiers: Orphanet 140162, MedGen C0027672, MeSH D009386, MONDO:0015356.
Cardiovascular phenotype. Identifiers: MedGen CN230736.

Submissions (2):

Labcorp Genetics (formerly Invitae), Labcorp
Classification: Uncertain significance. Last evaluated: 2026-01-13. Review status: criteria provided, single submitter. Criteria: Invitae Variant Classification Sherloc (09022015). Collection method: clinical testing. Allele origin: germline.
Comment: This sequence change replaces phenylalanine, which is neutral and non-polar, with leucine, which is neutral and non-polar, at codon 447 of the LZTR1 protein (p.Phe447Leu). This variant is not present in population databases (gnomAD no frequency). This missense change has been observed in individual(s) with clinical features of Noonan syndrome or RASopathies (PMID: 25795793). ClinVar contains an entry for this variant (Variation ID: 3869247). Invitae Evidence Modeling of protein sequence and biophysical properties (such as structural, functional, and spatial information, amino acid conservation, physicochemical variation, residue mobility, and thermodynamic stability) indicates that this missense variant is not expected to disrupt LZTR1 protein function with a negative predictive value of 80%. In summary, the available evidence is currently insufficient to determine the role of this variant in disease. Therefore, it has been classified as a Variant of Uncertain Significance.

Ambry Genetics
Classification: Uncertain significance for Cardiovascular phenotype; Hereditary cancer-predisposing syndrome. Last evaluated: 2025-01-25. Review status: criteria provided, single submitter. Criteria: Ambry Variant Classification Scheme 2023. Collection method: clinical testing. Allele origin: germline.
Comment: The p.F447L variant (also known as c.1339T>C), located in coding exon 12 of the LZTR1 gene, results from a T to C substitution at nucleotide position 1339. The phenylalanine at codon 447 is replaced by leucine, an amino acid with highly similar properties. This amino acid position is highly conserved in available vertebrate species. In addition, the in silico prediction for this alteration is inconclusive. Based on the available evidence, the clinical significance of this variant remains unclear.

Literature cited by the submitters: PubMed 25795793 (cited by Labcorp Genetics (formerly Invitae), Labcorp).

NM_006767.4(LZTR1):c.1339T>C (p.Phe447Leu)

Gene: LZTR1 (leucine zipper like post translational regulator 1; plus strand). Cytogenetic location: 22q11.21.
Variant type: single nucleotide variant.
Coding change: c.1339T>C on transcript NM_006767.4 (MANE Select); coding-DNA position 1339, T replaced by C.
Protein change: p.Phe447Leu; replaces phenylalanine 447 with leucine.
Molecular consequence: missense variant.
Genome position (GRCh38, 1-based): chr22:20,993,740, T>C. VCF-style: chr22-20993740-T-C. GRCh37 (hg19) VCF-style: chr22-21348029-T-C.
Other names: short protein forms F447L.
Identifiers: ClinVar variation 3869247 (VCV003869247.2).